The following is an entry in ClinVar:

NM_030957.4(ADAMTS10):c.464A>T (p.Glu155Val)

Gene: ADAMTS10 (ADAM metallopeptidase with thrombospondin type 1 motif 10; minus strand). Cytogenetic location: 19p13.2.
Variant type: single nucleotide variant.
Coding change: c.464A>T on transcript NM_030957.4 (MANE Select); coding-DNA position 464, A replaced by T.
Protein change: p.Glu155Val; replaces glutamic acid 155 with valine.
Molecular consequence: missense variant.
Genome position (GRCh38, 1-based): chr19:8,603,856, T>A on the plus strand (A>T on the coding strand, the complement: ADAMTS10 is on the minus strand). VCF-style: chr19-8603856-T-A. GRCh37 (hg19) VCF-style: chr19-8668740-T-A.
Other names: short protein forms E155V.
Identifiers: ClinVar variation 1522438 (VCV001522438.6), dbSNP rs2146099790, ClinGen allele CA403757172.

ClinVar aggregate classification (germline): Uncertain significance (1 of 4 stars; one submission).

Submission:

Labcorp Genetics (formerly Invitae), Labcorp
Classification: Uncertain significance. Last evaluated: 2022-11-22. Review status: criteria provided, single submitter. Criteria: Invitae Variant Classification Sherloc (09022015). Collection method: clinical testing. Allele origin: germline.
Comment: In summary, the available evidence is currently insufficient to determine the role of this variant in disease. Therefore, it has been classified as a Variant of Uncertain Significance. Algorithms developed to predict the effect of missense changes on protein structure and function are either unavailable or do not agree on the potential impact of this missense change (SIFT: "Deleterious"; PolyPhen-2: "Probably Damaging"; Align-GVGD: "Class C0"). ClinVar contains an entry for this variant (Variation ID: 1522438). This variant has not been reported in the literature in individuals affected with ADAMTS10-related conditions. This variant is not present in population databases (gnomAD no frequency). This sequence change replaces glutamic acid, which is acidic and polar, with valine, which is neutral and non-polar, at codon 155 of the ADAMTS10 protein (p.Glu155Val).